The following is an entry in ClinVar:

NM_032447.5(FBN3):c.4334-1G>C

Gene: FBN3 (fibrillin 3; minus strand). Cytogenetic location: 19p13.2.
Variant type: single nucleotide variant.
Coding change: c.4334-1G>C on transcript NM_032447.5 (MANE Select); the canonical splice acceptor site of the intron before coding-DNA position 4334, G replaced by C.
Molecular consequence: splice acceptor variant.
Genome position (GRCh38, 1-based): chr19:8,109,754, C>G on the plus strand (G>C on the coding strand, the complement: FBN3 is on the minus strand). VCF-style: chr19-8109754-C-G. GRCh37 (hg19) VCF-style: chr19-8174638-C-G.
Other names: c.4334-1G>C (NM_001321431.2).
Identifiers: ClinVar variation 1437931 (VCV001437931.7), dbSNP rs755962947, ClinGen allele CA9152082.

ClinVar aggregate classification (germline): Uncertain significance (1 of 4 stars; one submission).

Allele frequency attached by ClinVar (database versions not stated): gnomAD 0.00001; TOPMed 0.00001; ExAC 0.00002; gnomAD exomes 0.00003 and 0.00005.
gnomAD v4.1: 75 of 1,498,820 alleles (0.005%); highest among the groups gnomAD compares: Non-Finnish European, 0.006%; no homozygotes.

Submission:

Labcorp Genetics (formerly Invitae), Labcorp
Classification: Uncertain significance. Last evaluated: 2025-09-02. Review status: criteria provided, single submitter. Criteria: Invitae Variant Classification Sherloc (09022015). Collection method: clinical testing. Allele origin: germline.
Comment: This sequence change affects an acceptor splice site in intron 34 of the FBN3 gene. It is expected to disrupt RNA splicing. Variants that disrupt the donor or acceptor splice site typically lead to a loss of protein function (PMID: 16199547), however the current clinical and genetic evidence is not sufficient to establish whether loss-of-function variants in FBN3 cause disease. This variant is present in population databases (rs755962947, gnomAD 0.006%). This variant has not been reported in the literature in individuals affected with FBN3-related conditions. ClinVar contains an entry for this variant (Variation ID: 1437931). Algorithms developed to predict the effect of sequence changes on RNA splicing suggest that this variant may disrupt the consensus splice site. In summary, the available evidence is currently insufficient to determine the role of this variant in disease. Therefore, it has been classified as a Variant of Uncertain Significance.

Literature cited by the submitters: PubMed 16199547.